The following is an entry in ClinVar:

NM_198129.4(LAMA3):c.9997C>T (p.Gln3333Ter)

Gene: LAMA3 (laminin subunit alpha 3; plus strand). Cytogenetic location: 18q11.2.
Variant type: single nucleotide variant.
Coding change: c.9997C>T on transcript NM_198129.4 (MANE Select); coding-DNA position 9997, C replaced by T.
Protein change: p.Gln3333Ter; replaces glutamine 3333 with a stop codon.
Molecular consequence: nonsense.
Genome position (GRCh38, 1-based): chr18:23,954,643, C>T. VCF-style: chr18-23954643-C-T. GRCh37 (hg19) VCF-style: chr18-21534607-C-T.
Other names: c.5170C>T, p.Gln1724Ter (NM_000227.6); c.9829C>T, p.Gln3277Ter (NM_001127717.4); c.5002C>T, p.Gln1668Ter (NM_001127718.4); short protein forms Q3333*, Q1668*, Q1724*, Q3277*.
Identifiers: ClinVar variation 5003875 (VCV005003875.1).

ClinVar aggregate classification (germline): Uncertain significance (1 of 4 stars; one submission).

Conditions:
Junctional epidermolysis bullosa. Identifiers: Orphanet 305, MedGen C0079301, MONDO:0017612.

gnomAD v4.1: 3 of 1,614,026 alleles (0.00019%); highest among the groups gnomAD compares: Non-Finnish European, 0.00025%; no homozygotes.

Submission:

Myriad Genetics, Inc.
Classification: Uncertain significance for Junctional epidermolysis bullosa. Last evaluated: 2026-02-05. Review status: criteria provided, single submitter. Criteria: Myriad Autosomal Dominant, Autosomal Recessive and X-Linked Classification Criteria (2023). Collection method: clinical testing. Allele origin: unknown.
Comment: NM_000227.3(LAMA3):c.5170C>T(Q1724*) is a nonsense variant classified as a variant of uncertain significance in the context of junctional epidermolysis bullosa, LAMA3-related. Q1724* has not been observed in cases with relevant disease. Relevant functional assessments of this variant are not available in the literature. Q1724* has been observed in referenced population frequency databases. In summary, there is insufficient evidence to classify NM_000227.3(LAMA3):c.5170C>T(Q1724*) as pathogenic or benign. Please note: this variant was assessed in the context of healthy population screening.